The following is an entry in ClinVar:

NM_000038.6(APC):c.5125A>T (p.Thr1709Ser)

Gene: APC (APC regulator of Wnt signaling pathway; plus strand). Cytogenetic location: 5q22.2.
Variant type: single nucleotide variant.
Coding change: c.5125A>T on transcript NM_000038.6 (MANE Select); coding-DNA position 5125, A replaced by T.
Protein change: p.Thr1709Ser; replaces threonine 1709 with serine.
Molecular consequence: missense variant.
Genome position (GRCh38, 1-based): chr5:112,840,719, A>T. VCF-style: chr5-112840719-A-T. GRCh37 (hg19) VCF-style: chr5-112176416-A-T.
Other names: c.5125A>T, p.Thr1709Ser (NM_001127510.3, NM_001354895.2); c.5071A>T, p.Thr1691Ser (NM_001127511.3); c.5179A>T, p.Thr1727Ser (NM_001354896.2); c.5155A>T, p.Thr1719Ser (NM_001354897.2); c.5050A>T, p.Thr1684Ser (NM_001354898.2); c.5041A>T, p.Thr1681Ser (NM_001354899.2); c.5002A>T, p.Thr1668Ser (NM_001354900.2); c.4948A>T, p.Thr1650Ser (NM_001354901.2); and 5 more; short protein forms T1691S, T1709S, T1426S, T1668S, T1681S, T1549S, T1618S, T1719S.
Identifiers: ClinVar variation 469991 (VCV000469991.23), dbSNP rs1554086463, ClinGen allele CA16032532.

ClinVar aggregate classification (germline): Conflicting classifications of pathogenicity. Review status: criteria provided, conflicting classifications (1 of 4 stars). 4 submissions from 4 submitters: Uncertain significance (3); Benign (1). Last evaluated 2025-04-28.

Conditions:
Hereditary cancer-predisposing syndrome. Also called: Hereditary neoplastic syndrome; Neoplastic Syndromes, Hereditary; Tumor predisposition; Hereditary Cancer Syndrome. Identifiers: Orphanet 140162, MedGen C0027672, MeSH D009386, MONDO:0015356.
Familial adenomatous polyposis 1 (FAP1). Also called: POLYPOSIS, ADENOMATOUS INTESTINAL; FAMILIAL ADENOMATOUS POLYPOSIS 1, ATTENUATED. Identifiers: MedGen C2713442, MONDO:0021056, OMIM 175100. Disease mechanism: loss of function.

Allele frequency attached by ClinVar (database versions not stated): gnomAD exomes below 0.00001; TOPMed 0.00001.
gnomAD v4.1: 1 of 1,614,168 alleles (0.000062%); highest among the groups gnomAD compares: African/African-American, 0.0013%; no homozygotes.

Submissions (4):

Ambry Genetics
Classification: Uncertain significance for Hereditary cancer-predisposing syndrome. Last evaluated: 2025-04-28. Review status: criteria provided, single submitter. Criteria: Ambry Variant Classification Scheme 2023. Collection method: clinical testing. Allele origin: germline.
Comment: The p.T1709S variant (also known as c.5125A>T), located in coding exon 15 of the APC gene, results from an A to T substitution at nucleotide position 5125. The threonine at codon 1709 is replaced by serine, an amino acid with similar properties. This amino acid position is not well conserved in available vertebrate species. In addition, in silico predictors for this gene do not accurately predict pathogenicity. Since supporting evidence is limited at this time, the clinical significance of this alteration remains unclear.

Labcorp Genetics (formerly Invitae), Labcorp
Classification: Benign for Familial adenomatous polyposis 1. Last evaluated: 2025-03-12. Review status: criteria provided, single submitter. Criteria: Invitae Variant Classification Sherloc (09022015). Collection method: clinical testing. Allele origin: germline.

GeneDx
Classification: Uncertain significance. Last evaluated: 2023-12-26. Review status: criteria provided, single submitter. Criteria: GeneDx Variant Classification Process June 2021. Collection method: clinical testing. Allele origin: germline. Affected: yes.
Comment: Not observed at significant frequency in large population cohorts (gnomAD); In silico analysis supports that this missense variant does not alter protein structure/function; Has not been previously published as pathogenic or benign to our knowledge; This variant is associated with the following publications: (PMID: 18199528)

Color Diagnostics, LLC DBA Color Health
Classification: Uncertain significance for Hereditary cancer-predisposing syndrome. Last evaluated: 2023-12-05. Review status: criteria provided, single submitter. Criteria: ACMG Guidelines, 2015. Collection method: clinical testing. Allele origin: germline.
Comment: This missense variant replaces threonine with serine at codon 1709 of the APC protein. Computational prediction tools and conservation analyses suggest that this variant may not impact the protein function. Computational splicing tools suggest that this variant may not impact RNA splicing. To our knowledge, functional assays have not been performed for this variant nor has this variant been reported in individuals affected with hereditary cancer in the literature. This variant has not been identified in the general population by the Genome Aggregation Database (gnomAD). Available evidence is insufficient to determine the role of this variant in disease conclusively. Therefore, this variant is classified as a Variant of Uncertain Significance.